The following is an entry in ClinVar:

NM_000245.4(MET):c.3133C>A (p.Pro1045Thr)

Gene: MET (MET proto-oncogene, receptor tyrosine kinase; plus strand). Cytogenetic location: 7q31.2.
Variant type: single nucleotide variant.
Coding change: c.3133C>A on transcript NM_000245.4 (MANE Select); coding-DNA position 3133, C replaced by A.
Protein change: p.Pro1045Thr; replaces proline 1045 with threonine.
Molecular consequence: missense variant.
Genome position (GRCh38, 1-based): chr7:116,774,985, C>A. VCF-style: chr7-116774985-C-A. GRCh37 (hg19) VCF-style: chr7-116415039-C-A.
Other names: c.3187C>A, p.Pro1063Thr (NM_001127500.3); c.1843C>A, p.Pro615Thr (NM_001324402.2); short protein forms P1045T, P1063T, P615T.
Identifiers: ClinVar variation 1318632 (VCV001318632.9), dbSNP rs1794949971, ClinGen allele CA368988266.

ClinVar aggregate classification (germline): Uncertain significance. Review status: criteria provided, multiple submitters, no conflicts (2 of 4 stars). 3 submissions from 3 submitters: Uncertain significance (3). Last evaluated 2024-02-13.

Conditions:
Renal cell carcinoma. Identifiers: Orphanet 217071, MedGen C0007134, MeSH D002292, MONDO:0005086, HP:0005584.
Hereditary cancer-predisposing syndrome. Also called: Hereditary neoplastic syndrome; Neoplastic Syndromes, Hereditary; Tumor predisposition; Hereditary Cancer Syndrome. Identifiers: Orphanet 140162, MedGen C0027672, MeSH D009386, MONDO:0015356.

Allele frequency attached by ClinVar (database versions not stated): TOPMed below 0.00001; gnomAD 0.00001.
gnomAD v4.1: 1 of 1,614,024 alleles (0.000062%); highest among the groups gnomAD compares: African/African-American, 0.0013%; no homozygotes.

Submissions (3):

Ambry Genetics
Classification: Uncertain significance for Hereditary cancer-predisposing syndrome. Last evaluated: 2024-02-13. Review status: criteria provided, single submitter. Criteria: Ambry Variant Classification Scheme 2023. Collection method: clinical testing. Allele origin: germline.

Labcorp Genetics (formerly Invitae), Labcorp
Classification: Uncertain significance for Renal cell carcinoma. Last evaluated: 2022-09-06. Review status: criteria provided, single submitter. Criteria: Invitae Variant Classification Sherloc (09022015). Collection method: clinical testing. Allele origin: germline.
Comment: This sequence change replaces proline, which is neutral and non-polar, with threonine, which is neutral and polar, at codon 1063 of the MET protein (p.Pro1063Thr). In summary, the available evidence is currently insufficient to determine the role of this variant in disease. Therefore, it has been classified as a Variant of Uncertain Significance. Algorithms developed to predict the effect of missense changes on protein structure and function are either unavailable or do not agree on the potential impact of this missense change (SIFT: "Deleterious"; PolyPhen-2: "Probably Damaging"; Align-GVGD: "Class C0"). ClinVar contains an entry for this variant (Variation ID: 1318632). This variant has not been reported in the literature in individuals affected with MET-related conditions. This variant is not present in population databases (gnomAD no frequency).

GeneDx
Classification: Uncertain significance. Last evaluated: 2022-02-21. Review status: criteria provided, single submitter. Criteria: GeneDx Variant Classification Process June 2021. Collection method: clinical testing. Allele origin: germline. Affected: yes.
Comment: Not observed in large population cohorts (gnomAD); In silico analysis, which includes protein predictors and evolutionary conservation, supports a deleterious effect; Has not been previously published as pathogenic or benign to our knowledge